The following is an entry in ClinVar:

ClinVar aggregate classification (germline): Uncertain significance (1 of 4 stars; one submission).

Allele frequency attached by ClinVar (database versions not stated): gnomAD exomes below 0.00001; TOPMed below 0.00001; gnomAD 0.00001.
gnomAD v4.1: 5 of 1,612,718 alleles (0.00031%); highest among the groups gnomAD compares: Non-Finnish European, 0.00042%; no homozygotes.

Submission:

Ambry Genetics
Classification: Uncertain significance. Last evaluated: 2021-12-20. Review status: criteria provided, single submitter. Criteria: Ambry Variant Classification Scheme 2023. Collection method: clinical testing. Allele origin: germline.
Comment: The p.L1072V variant (also known as c.3214C>G), located in coding exon 16 of the POLQ gene, results from a C to G substitution at nucleotide position 3214. The leucine at codon 1072 is replaced by valine, an amino acid with highly similar properties. This amino acid position is conserved. In addition, this alteration is predicted to be tolerated by in silico analysis. Since supporting evidence is limited at this time, the clinical significance of this alteration remains unclear.

NM_199420.4(POLQ):c.3214C>G (p.Leu1072Val)

Gene: POLQ (DNA polymerase theta; minus strand). Cytogenetic location: 3q13.33.
Variant type: single nucleotide variant.
Coding change: c.3214C>G on transcript NM_199420.4 (MANE Select); coding-DNA position 3214, C replaced by G.
Protein change: p.Leu1072Val; replaces leucine 1072 with valine.
Molecular consequence: missense variant.
Genome position (GRCh38, 1-based): chr3:121,489,717, G>C on the plus strand (C>G on the coding strand, the complement: POLQ is on the minus strand). VCF-style: chr3-121489717-G-C. GRCh37 (hg19) VCF-style: chr3-121208564-G-C.
Other names: short protein forms L1072V.
Identifiers: ClinVar variation 1728972 (VCV001728972.2), dbSNP rs1324642725, ClinGen allele CA354101204.
Genomic context (GRCh38, chr3:121,489,717, plus strand): 5'-TAAATTCCGTTTTCTTCTCATCTAAGGTAAACGGGTCTTCACAAAGACTAGGATTAGACA[G>C]AGTCTGTCCTTGTAAATGGATTCTACACGCTCCAGAGTCTTTCAGGGGGCTGCTGTCCCT-3'
Protein context (NP_955452.3, residues 1062-1082): ACRIHLQGQT[Leu1072Val]SNPSLCEDPF